The following is an entry in ClinVar:

NM_030777.4(SLC2A10):c.*56A>G

Gene: SLC2A10 (solute carrier family 2 member 10; plus strand). Cytogenetic location: 20q13.12.
Variant type: single nucleotide variant.
Coding change: c.*56A>G on transcript NM_030777.4 (MANE Select); 56 bases downstream of the stop codon, A replaced by G.
Molecular consequence: 3 prime UTR variant.
Genome position (GRCh38, 1-based): chr20:46,733,890, A>G. VCF-style: chr20-46733890-A-G. GRCh37 (hg19) VCF-style: chr20-45362529-A-G.
Identifiers: ClinVar variation 338601 (VCV000338601.9), dbSNP rs112821000, ClinGen allele CA10643998.

ClinVar aggregate classification (germline): Benign. Review status: criteria provided, multiple submitters, no conflicts (2 of 4 stars). 3 submissions from 3 submitters: Benign (3). Last evaluated 2018-06-16.

Conditions:
Arterial tortuosity syndrome (ATORS). Identifiers: Orphanet 3342, MedGen C1859726, MONDO:0008818, OMIM 208050.

Allele frequency attached by ClinVar (database versions not stated): gnomAD exomes 0.00246; gnomAD 0.01987 and 0.02108; 1000 Genomes Project 0.02077; 1000 Genomes Project 30x 0.02092; TOPMed 0.02113; ESP Exome Variant Server 0.02124.
gnomAD v4.1: 6,677 of 1,542,242 alleles (0.43%); highest among the groups gnomAD compares: African/African-American, 6.7%; 190 homozygotes.

Submissions (3):

GeneDx
Classification: Benign. Last evaluated: 2018-06-16. Review status: criteria provided, single submitter. Criteria: GeneDx Variant Classification Process June 2021. Collection method: clinical testing. Allele origin: germline. Affected: yes.

Illumina Laboratory Services, Illumina
Classification: Benign for Arterial tortuosity syndrome. Last evaluated: 2018-01-13. Review status: criteria provided, single submitter. Criteria: ICSL Variant Classification Criteria 13 December 2019. Collection method: clinical testing. Allele origin: germline.
Comment: This variant was observed in the ICSL laboratory as part of a predisposition screen in an ostensibly healthy population. It had not been previously curated by ICSL or reported in the Human Gene Mutation Database (HGMD: prior to June 1st, 2018), and was therefore a candidate for classification through an automated scoring system. Utilizing variant allele frequency, disease prevalence and penetrance estimates, and inheritance mode, an automated score was calculated to assess if this variant is too frequent to cause the disease. Based on the score and internal cut-off values, a variant classified as benign is not then subjected to further curation. The score for this variant resulted in a classification of benign for this disease.

Breakthrough Genomics
Classification: Benign. Review status: criteria provided, single submitter. Criteria: ACMG Guidelines, 2015. Collection method: not provided. Allele origin: germline. Inheritance: Autosomal recessive inheritance. Affected: yes.